The following is an entry in ClinVar:

NM_020937.4(FANCM):c.3952G>A (p.Glu1318Lys)

Gene: FANCM (FA complementation group M; plus strand). Cytogenetic location: 14q21.2.
Variant type: single nucleotide variant.
Coding change: c.3952G>A on transcript NM_020937.4 (MANE Select); coding-DNA position 3952, G replaced by A.
Protein change: p.Glu1318Lys; replaces glutamic acid 1318 with lysine.
Molecular consequence: missense variant.
Genome position (GRCh38, 1-based): chr14:45,176,706, G>A. VCF-style: chr14-45176706-G-A. GRCh37 (hg19) VCF-style: chr14-45645909-G-A.
Other names: c.3874G>A, p.Glu1292Lys (NM_001308133.2); short protein forms E1292K, E1318K.
Identifiers: ClinVar variation 3572288 (VCV003572288.2).

ClinVar aggregate classification (germline): Conflicting classifications of pathogenicity. Review status: criteria provided, conflicting classifications (1 of 4 stars). 2 submissions from 2 submitters: Uncertain significance (1); Likely benign (1). Last evaluated 2026-01-10.

Conditions:
Inborn genetic diseases. Identifiers: MedGen C0950123, MeSH D030342.

Submissions (2):

Ambry Genetics
Classification: Likely benign for Inborn genetic diseases. Last evaluated: 2026-01-10. Review status: criteria provided, single submitter. Criteria: Ambry Variant Classification Scheme 2023. Collection method: clinical testing. Allele origin: germline.

Quest Diagnostics Nichols Institute San Juan Capistrano
Classification: Uncertain significance. Last evaluated: 2024-01-23. Review status: criteria provided, single submitter. Criteria: Quest Diagnostics criteria. Collection method: clinical testing. Allele origin: unknown.
Comment: The FANCM c.3952G>A (p.Glu1318Lys) variant has not been reported in individuals with FANCM-related conditions in the published literature. It also has not been reported in large, multi-ethnic general populations (Genome Aggregation Database). Analysis of this variant using bioinformatics tools for the prediction of the effect of amino acid changes on protein structure and function yielded predictions that this variant is benign. Based on the available information, we are unable to determine the clinical significance of this variant.